The following is an entry in ClinVar:

ClinVar aggregate classification (germline): Uncertain significance. Review status: criteria provided, multiple submitters, no conflicts (2 of 4 stars). 3 submissions from 3 submitters: Uncertain significance (3). Last evaluated 2025-11-03.

Conditions:
MERTK-related disorder. Also called: MERTK-related condition.
Retinal dystrophy. Also called: Inherited retinal dystrophy. Identifiers: Orphanet 71862, MedGen C0854723, MeSH D058499, MONDO:0019118, HP:0000556.

Allele frequency attached by ClinVar (database versions not stated): gnomAD 0.00001 and 0.00002; ExAC 0.00003; gnomAD exomes 0.00003 and 0.00004; TOPMed 0.00003.
gnomAD v4.1: 38 of 1,612,292 alleles (0.0024%); highest among the groups gnomAD compares: East Asian, 0.058%; 1 homozygote.

Submissions (3):

PreventionGenetics, part of Exact Sciences
Classification: Uncertain significance for MERTK-related condition. Last evaluated: 2025-11-03. Review status: criteria provided, single submitter. Criteria: ACMG Guidelines, 2015. Collection method: clinical testing. Allele origin: germline.
Comment: The MERTK c.1682A>G variant is predicted to result in the amino acid substitution p.Glu561Gly. To our knowledge, this variant has not been reported in the literature. This variant is reported in 0.025% of alleles in individuals of Latino descent in gnomAD. At this time, the clinical significance of this variant is uncertain due to the absence of conclusive functional and genetic evidence.

Dept Of Ophthalmology, Nagoya University
Classification: Uncertain significance for Retinal dystrophy. Last evaluated: 2023-10-01. Review status: criteria provided, single submitter. Criteria: Submitter's publication. Collection method: research. Allele origin: germline. Affected: yes.

Labcorp Genetics (formerly Invitae), Labcorp
Classification: Uncertain significance. Last evaluated: 2022-10-05. Review status: criteria provided, single submitter. Criteria: Invitae Variant Classification Sherloc (09022015). Collection method: clinical testing. Allele origin: germline.
Comment: This sequence change replaces glutamic acid, which is acidic and polar, with glycine, which is neutral and non-polar, at codon 561 of the MERTK protein (p.Glu561Gly). This variant is present in population databases (rs753090513, gnomAD 0.03%). This variant has not been reported in the literature in individuals affected with MERTK-related conditions. ClinVar contains an entry for this variant (Variation ID: 1415253). Advanced modeling of protein sequence and biophysical properties (such as structural, functional, and spatial information, amino acid conservation, physicochemical variation, residue mobility, and thermodynamic stability) performed at Invitae indicates that this missense variant is not expected to disrupt MERTK protein function. In summary, the available evidence is currently insufficient to determine the role of this variant in disease. Therefore, it has been classified as a Variant of Uncertain Significance.

NM_006343.3(MERTK):c.1682A>G (p.Glu561Gly)

Gene: MERTK (MER proto-oncogene, tyrosine kinase; plus strand). Cytogenetic location: 2q13.
Variant type: single nucleotide variant.
Coding change: c.1682A>G on transcript NM_006343.3 (MANE Select); coding-DNA position 1682, A replaced by G.
Protein change: p.Glu561Gly; replaces glutamic acid 561 with glycine.
Molecular consequence: missense variant.
Genome position (GRCh38, 1-based): chr2:112,001,278, A>G. VCF-style: chr2-112001278-A-G. GRCh37 (hg19) VCF-style: chr2-112758855-A-G.
Other names: c.1682A>G (NM_006343.2); short protein forms E561G.
Identifiers: ClinVar variation 1415253 (VCV001415253.5), dbSNP rs753090513, ClinGen allele CA1831502.
Genomic context (GRCh38, chr2:112,001,278, plus strand): 5'-AGGATTCTGAATTAGTGGTGAATTATATAGCAAAGAAATCCTTCTGTCGGCGAGCCATTG[A>G]ACTTACCTGTAAGTTGACTTTCATTTCCCTTTTTGGCAAAAGTTAAAATAGTTGAGAACA-3'
Protein context (NP_006334.2, residues 551-571): AKKSFCRRAI[Glu561Gly]LTLHSLGVSE